The following is an entry in ClinVar:

ClinVar aggregate classification (germline): Pathogenic/Likely pathogenic. Review status: criteria provided, multiple submitters, no conflicts (2 of 4 stars). 2 submissions from 2 submitters: Pathogenic (1); Likely pathogenic (1). Last evaluated 2017-06-28.

Conditions:
Hereditary cancer-predisposing syndrome. Also called: Tumor predisposition; Hereditary neoplastic syndrome; Neoplastic Syndromes, Hereditary; Hereditary Cancer Syndrome. Identifiers: Orphanet 140162, MedGen C0027672, MeSH D009386, MONDO:0015356.

Submissions (2):

Ambry Genetics
Classification: Pathogenic for Hereditary cancer-predisposing syndrome. Last evaluated: 2017-06-28. Review status: criteria provided, single submitter. Criteria: Ambry Variant Classification Scheme 2023. Collection method: clinical testing. Allele origin: germline.
Comment: The p.G1203* pathogenic mutation (also known as c.3607G>T), located in coding exon 15 of the APC gene, results from a G to T substitution at nucleotide position 3607. This changes the amino acid from a glycine to a stop codon within coding exon 15. This alteration is expected to result in loss of function by premature protein truncation. As such, this alteration is interpreted as a disease-causing mutation.

GeneDx
Classification: Likely pathogenic. Last evaluated: 2016-12-07. Review status: criteria provided, single submitter. Criteria: GeneDx Variant Classification (06012015). Collection method: clinical testing. Allele origin: germline. Affected: yes.
Comment: The G1203X variant in the APC gene has not been reported previously as a pathogenic variant, nor as a benign variant, to our knowledge. This substitution creates a nonsense variant, which changes a Glycine to a premature stop codon (GGA>TGA), and is predicted to cause loss of normal protein function through protein truncation as the last 1641 amino acids of the APC protein are lost. The G1203X variant was not observed in approximately 6500 individuals of European and African American ancestry in the NHLBI Exome Sequencing Project, indicating it is not a common benign variant in these populations. Based on currently available evidence, G1203X is a strong candidate for a pathogenic variant. However, the possibility it may be a rare benign variant cannot be excluded.

NM_000038.6(APC):c.3607G>T (p.Gly1203Ter)

Gene: APC (APC regulator of Wnt signaling pathway; plus strand). Cytogenetic location: 5q22.2.
Variant type: single nucleotide variant.
Coding change: c.3607G>T on transcript NM_000038.6 (MANE Select); coding-DNA position 3607, G replaced by T.
Protein change: p.Gly1203Ter; replaces glycine 1203 with a stop codon.
Molecular consequence: nonsense.
Genome position (GRCh38, 1-based): chr5:112,839,201, G>T. VCF-style: chr5-112839201-G-T. GRCh37 (hg19) VCF-style: chr5-112174898-G-T.
Other names: c.3607G>T, p.Gly1203Ter (NM_001127510.3, NM_001354895.2); c.3553G>T, p.Gly1185Ter (NM_001127511.3); c.3661G>T, p.Gly1221Ter (NM_001354896.2); c.3637G>T, p.Gly1213Ter (NM_001354897.2); c.3532G>T, p.Gly1178Ter (NM_001354898.2); c.3523G>T, p.Gly1175Ter (NM_001354899.2); c.3484G>T, p.Gly1162Ter (NM_001354900.2); c.3430G>T, p.Gly1144Ter (NM_001354901.2); and 5 more; short protein forms G1185*, G1203*, G1077*, G1102*, G1221*, G1178*, G1213*, G920*.
Identifiers: ClinVar variation 373541 (VCV000373541.3), dbSNP rs1057518472, ClinGen allele CA16029254.